The following is an entry in ClinVar:

NM_000052.7(ATP7A):c.1614_1615delinsCAT (p.Gln538fs)

Gene: ATP7A (ATPase copper transporting alpha; plus strand). Cytogenetic location: Xq21.1.
Variant type: Indel.
Coding change: c.1614_1615delinsCAT on transcript NM_000052.7 (MANE Select); coding-DNA positions 1614 to 1615, AC replaced by CAT.
Protein change: p.Gln538fs; shifts the reading frame from glutamine 538.
Molecular consequence: frameshift variant.
Genome position (GRCh38, 1-based): chrX:78,003,143-78,003,144, AC replaced by CAT. VCF-style: chrX-78003143-AC-CAT. GRCh37 (hg19) VCF-style: chrX-77258640-AC-CAT.
Other names: c.1614_1615delinsCAT, p.Gln538fs (NM_001282224.2); short protein forms Q538fs.
Identifiers: ClinVar variation 1726243 (VCV001726243.3), dbSNP rs2522325590, ClinGen allele CA2580101437.
Genomic context (GRCh38, chrX:78,003,143, plus strand): 5'-TATACTTGTGGCCCTGATGGCTGGCAAGGCAGAAGTAAGGTATAATCCTGCTGTTATACA[AC>CAT]CCCCAATGATAGCAGAGTTCATCCGAGAACTTGGATTTGGAGCCACTGTGATAGAAAATG-3'

ClinVar aggregate classification (germline): Likely pathogenic (1 of 4 stars; one submission).

Conditions:
Menkes kinky-hair syndrome (MNK). Also called: Copper transport disease; Classic Menkes Disease; Menkes Disease. Identifiers: Orphanet 565, MedGen C0022716, MONDO:0010651, OMIM 309400.

Submission:

Myriad Genetics, Inc.
Classification: Likely pathogenic for Menkes kinky-hair syndrome. Last evaluated: 2021-12-09. Review status: criteria provided, single submitter. Criteria: Myriad Autosomal Dominant, Autosomal Recessive and X-Linked Classification Criteria (2023). Collection method: clinical testing. Allele origin: unknown.
Comment: NM_000052.5(ATP7A):c.1614_1615delACinsCAT(Q538Hfs*23) is expected to be pathogenic in the context of ATP7A-related disorders. This variant is predicted to lead to an abnormal or absent protein product due to the creation of a premature termination codon in ATP7A, a gene where loss-of-function variants are known to be pathogenic. Please note: this variant was assessed in the context of healthy population screening.